The following is an entry in ClinVar:

ClinVar aggregate classification (germline): Pathogenic. Review status: criteria provided, multiple submitters, no conflicts (2 of 4 stars). 2 submissions from 2 submitters: Pathogenic (2). Last evaluated 2025-06-02.

Conditions:
ERCC2-related disorder. Also called: ERCC2-related disorders; ERCC2-related conditions; ERCC2-related condition. Identifiers: MedGen CN239291.

Submissions (2):

Myriad Genetics, Inc.
Classification: Pathogenic for ERCC2-related disorder. Last evaluated: 2025-06-02. Review status: criteria provided, single submitter. Criteria: Myriad Autosomal Dominant, Autosomal Recessive and X-Linked Classification Criteria (2023). Collection method: clinical testing. Allele origin: unknown.
Comment: NM_000400.3(ERCC2):c.1025G>A(W342*) is expected to be pathogenic in the context of ERCC2-related disorders. This variant is predicted to lead to an abnormal or absent protein product due to the creation of a premature termination codon in ERCC2, a gene where loss-of-function variants are known to be pathogenic. Please note: this variant was assessed in the context of healthy population screening.

Labcorp Genetics (formerly Invitae), Labcorp
Classification: Pathogenic. Last evaluated: 2021-10-05. Review status: criteria provided, single submitter. Criteria: Invitae Variant Classification Sherloc (09022015). Collection method: clinical testing. Allele origin: germline.
Comment: For these reasons, this variant has been classified as Pathogenic. This variant has not been reported in the literature in individuals affected with ERCC2-related conditions. The frequency data for this variant in the population databases is considered unreliable, as metrics indicate insufficient coverage at this position in the ExAC database. This sequence change creates a premature translational stop signal (p.Trp342*) in the ERCC2 gene. It is expected to result in an absent or disrupted protein product. Loss-of-function variants in ERCC2 are known to be pathogenic (PMID: 9238033, 11335038, 19085937, 19934020).

Literature cited by the submitters: PubMed 9238033 (cited by Labcorp Genetics (formerly Invitae), Labcorp); PubMed 11335038 (cited by Labcorp Genetics (formerly Invitae), Labcorp); PubMed 19085937 (cited by Labcorp Genetics (formerly Invitae), Labcorp); PubMed 19934020 (cited by Labcorp Genetics (formerly Invitae), Labcorp).

NM_000400.4(ERCC2):c.1025G>A (p.Trp342Ter)

Gene: ERCC2 (ERCC excision repair 2, TFIIH core complex helicase subunit; minus strand). Cytogenetic location: 19q13.32.
Variant type: single nucleotide variant.
Coding change: c.1025G>A on transcript NM_000400.4 (MANE Select); coding-DNA position 1025, G replaced by A.
Protein change: p.Trp342Ter; replaces tryptophan 342 with a stop codon.
Molecular consequence: nonsense.
Genome position (GRCh38, 1-based): chr19:45,363,836, C>T on the plus strand (G>A on the coding strand, the complement: ERCC2 is on the minus strand). VCF-style: chr19-45363836-C-T. GRCh37 (hg19) VCF-style: chr19-45867094-C-T.
Other names: c.953G>A, p.Trp318Ter (NM_001130867.2); short protein forms W342*, W318*.
Identifiers: ClinVar variation 1452293 (VCV001452293.7), dbSNP rs2123285884, ClinGen allele CA406372698.